The following is an entry in ClinVar:

NM_000744.7(CHRNA4):c.384-232A>G

Gene: CHRNA4 (cholinergic receptor nicotinic alpha 4 subunit; minus strand). Cytogenetic location: 20q13.33.
Variant type: single nucleotide variant.
Coding change: c.384-232A>G on transcript NM_000744.7 (MANE Select); 232 bases into the intron before coding-DNA position 384, A replaced by G.
Molecular consequence: intron variant.
Genome position (GRCh38, 1-based): chr20:63,351,259, T>C on the plus strand (A>G on the coding strand, the complement: CHRNA4 is on the minus strand). VCF-style: chr20-63351259-T-C. GRCh37 (hg19) VCF-style: chr20-61982611-T-C.
Other names: c.-145-232A>G (NM_001256573.2).
Identifiers: ClinVar variation 679897 (VCV000679897.1), dbSNP rs55781913, ClinGen allele CA14824378.
Genomic context (GRCh38, chr20:63,351,259, plus strand): 5'-TCCACACCCACGTCCACGTCCACGCCCACATCCACACCCACGTCCACGTCCACGTCCACG[T>C]CCACACACAGAGGCATTCTCACGTCACAGGAGCACAAAAGGGCTGGCGGCCTTGCCCGGG-3'

ClinVar aggregate classification (germline): Benign (1 of 4 stars; one submission).

Allele frequency attached by ClinVar (database versions not stated): 1000 Genomes Project 0.85503; gnomAD 0.88062 and 0.86919.

Submission:

GeneDx
Classification: Benign. Last evaluated: 2018-06-14. Review status: criteria provided, single submitter. Criteria: GeneDx Variant Classification (06012015). Collection method: clinical testing. Allele origin: germline. Affected: yes.
Comment: This variant is considered likely benign or benign based on one or more of the following criteria: it is a conservative change, it occurs at a poorly conserved position in the protein, it is predicted to be benign by multiple in silico algorithms, and/or has population frequency not consistent with disease.